The following is an entry in ClinVar:

NM_001386135.1(AFF3):c.2592-5T>C

Gene: AFF3 (ALF transcription elongation factor 3; minus strand). Cytogenetic location: 2q11.2.
Variant type: single nucleotide variant.
Coding change: c.2592-5T>C on transcript NM_001386135.1 (MANE Select); 5 bases into the intron before coding-DNA position 2592, T replaced by C.
Molecular consequence: intron variant.
Genome position (GRCh38, 1-based): chr2:99,583,004, A>G on the plus strand (T>C on the coding strand, the complement: AFF3 is on the minus strand). VCF-style: chr2-99583004-A-G. GRCh37 (hg19) VCF-style: chr2-100199466-A-G.
Other names: c.2592-5T>C (NM_002285.3); c.2667-5T>C (NM_001025108.2).
Identifiers: ClinVar variation 3038615 (VCV003038615.8), dbSNP rs762249338, ClinGen allele CA1800826.

ClinVar aggregate classification (germline): Likely benign. Review status: criteria provided, single submitter (1 of 4 stars). 2 submissions from 2 submitters: Likely benign (1). 1 of the submissions does not count toward it. Last evaluated 2025-10-01.

Conditions:
AFF3-related disorder. Also called: AFF3-related condition.

Allele frequency attached by ClinVar (database versions not stated): TOPMed 0.00008; gnomAD exomes 0.00009; ExAC 0.00013; gnomAD 0.00013.
gnomAD v4.1: 153 of 1,613,310 alleles (0.0095%); highest among the groups gnomAD compares: Non-Finnish European, 0.0076%; no homozygotes.

Submissions (2):

CeGaT Center for Human Genetics Tuebingen
Classification: Likely benign. Last evaluated: 2025-10-01. Review status: criteria provided, single submitter. Criteria: CeGaT Center For Human Genetics Tuebingen Variant Classification Criteria Version 2. Collection method: clinical testing. Allele origin: germline. Affected: yes. Observed: 1 variant allele.
Comment: AFF3: BS2

PreventionGenetics, part of Exact Sciences
Classification: Likely benign for AFF3-related condition. Last evaluated: 2019-06-03. Review status: no assertion criteria provided. Collection method: clinical testing. Allele origin: germline. Not counted in ClinVar's aggregate classification.
Comment: This variant is classified as likely benign based on ACMG/AMP sequence variant interpretation guidelines (Richards et al. 2015 PMID: 25741868, with internal and published modifications).